The following is an entry in ClinVar:

NM_018897.3(DNAH7):c.2023A>G (p.Lys675Glu)

Gene: DNAH7 (dynein axonemal heavy chain 7; minus strand). Cytogenetic location: 2q32.3.
Variant type: single nucleotide variant.
Coding change: c.2023A>G on transcript NM_018897.3 (MANE Select); coding-DNA position 2023, A replaced by G.
Protein change: p.Lys675Glu; replaces lysine 675 with glutamic acid.
Molecular consequence: missense variant.
Genome position (GRCh38, 1-based): chr2:195,972,277, T>C on the plus strand (A>G on the coding strand, the complement: DNAH7 is on the minus strand). VCF-style: chr2-195972277-T-C. GRCh37 (hg19) VCF-style: chr2-196837001-T-C.
Other names: short protein forms K675E.
Identifiers: ClinVar variation 791387 (VCV000791387.7), dbSNP rs10198893, ClinGen allele CA2036468.

ClinVar aggregate classification (germline): Benign. Review status: criteria provided, multiple submitters, no conflicts (2 of 4 stars). 3 submissions from 3 submitters: Benign (2). 1 of the submissions does not count toward it. Last evaluated 2019-12-31.

Conditions:
DNAH7-related disorder. Also called: DNAH7-related condition.

Allele frequency attached by ClinVar (database versions not stated): gnomAD exomes 0.00155 and 0.00364; ExAC 0.00460; gnomAD 0.01466 and 0.01565; ESP Exome Variant Server 0.01486; 1000 Genomes Project 0.01597; TOPMed 0.01617; 1000 Genomes Project 30x 0.01780.
gnomAD v4.1: 4,577 of 1,614,032 alleles (0.28%); highest among the groups gnomAD compares: African/African-American, 5.2%; 120 homozygotes.

Submissions (3):

Labcorp Genetics (formerly Invitae), Labcorp
Classification: Benign. Last evaluated: 2019-12-31. Review status: criteria provided, single submitter. Criteria: Invitae Variant Classification Sherloc (09022015). Collection method: clinical testing. Allele origin: germline.

Breakthrough Genomics
Classification: Benign. Review status: criteria provided, single submitter. Criteria: ACMG Guidelines, 2015. Collection method: not provided. Allele origin: germline. Inheritance: Unknown mechanism. Affected: yes.

PreventionGenetics, part of Exact Sciences
Classification: Likely benign for DNAH7-related condition. Last evaluated: 2020-02-26. Review status: no assertion criteria provided. Collection method: clinical testing. Allele origin: germline. Not counted in ClinVar's aggregate classification.
Comment: This variant is classified as likely benign based on ACMG/AMP sequence variant interpretation guidelines (Richards et al. 2015 PMID: 25741868, with internal and published modifications).